The following is an entry in ClinVar:

ClinVar aggregate classification (germline): Uncertain significance (1 of 4 stars; one submission).

Submission:

Labcorp Genetics (formerly Invitae), Labcorp
Classification: Uncertain significance. Last evaluated: 2025-04-07. Review status: criteria provided, single submitter. Criteria: Invitae Variant Classification Sherloc (09022015). Collection method: clinical testing. Allele origin: germline.
Comment: This sequence change replaces alanine, which is neutral and non-polar, with glycine, which is neutral and non-polar, at codon 663 of the ZNF687 protein (p.Ala663Gly). This variant is not present in population databases (gnomAD no frequency). This variant has not been reported in the literature in individuals affected with ZNF687-related conditions. An algorithm developed to predict the effect of missense changes on protein structure and function (PolyPhen-2) suggests that this variant is likely to be tolerated. In summary, the available evidence is currently insufficient to determine the role of this variant in disease. Therefore, it has been classified as a Variant of Uncertain Significance.

NM_020832.3(ZNF687):c.1988C>G (p.Ala663Gly)

Gene: ZNF687 (zinc finger protein 687; plus strand). Cytogenetic location: 1q21.3.
Variant type: single nucleotide variant.
Coding change: c.1988C>G on transcript NM_020832.3 (MANE Select); coding-DNA position 1988, C replaced by G.
Protein change: p.Ala663Gly; replaces alanine 663 with glycine.
Molecular consequence: missense variant.
Genome position (GRCh38, 1-based): chr1:151,288,279, C>G. VCF-style: chr1-151288279-C-G. GRCh37 (hg19) VCF-style: chr1-151260755-C-G.
Other names: c.1988C>G, p.Ala663Gly (NM_001304763.2, NM_001304764.2); short protein forms A663G.
Identifiers: ClinVar variation 4760480 (VCV004760480.1).